The following is an entry in ClinVar:

NM_205850.3(SLC24A5):c.895C>G (p.Pro299Ala)

Genes: MYEF2 (myelin expression factor 2; minus strand), SLC24A5 (solute carrier family 24 member 5; plus strand). Cytogenetic location: 15q21.1.
Variant type: single nucleotide variant.
Coding change: c.895C>G on transcript NM_205850.3 (MANE Select); coding-DNA position 895, C replaced by G.
Protein change: p.Pro299Ala; replaces proline 299 with alanine.
Molecular consequence: missense variant. On other transcripts: 3 prime UTR variant (2).
Genome position (GRCh38, 1-based): chr15:48,138,992, C>G. VCF-style: chr15-48138992-C-G. GRCh37 (hg19) VCF-style: chr15-48431189-C-G.
Other names: c.*3916G>C (NM_001301210.2, NM_016132.5); short protein forms P299A.
Identifiers: ClinVar variation 2088918 (VCV002088918.4), dbSNP rs111834801, ClinGen allele CA7546003.

ClinVar aggregate classification (germline): Uncertain significance (1 of 4 stars; one submission).

Allele frequency attached by ClinVar (database versions not stated): ExAC 0.00002.
gnomAD v4.1: 1 of 1,612,498 alleles (0.000062%); highest among the groups gnomAD compares: Non-Finnish European, 0.000085%; no homozygotes.

Submission:

Labcorp Genetics (formerly Invitae), Labcorp
Classification: Uncertain significance. Last evaluated: 2022-01-21. Review status: criteria provided, single submitter. Criteria: Invitae Variant Classification Sherloc (09022015). Collection method: clinical testing. Allele origin: germline.
Comment: This sequence change replaces proline, which is neutral and non-polar, with alanine, which is neutral and non-polar, at codon 299 of the SLC24A5 protein (p.Pro299Ala). In summary, the available evidence is currently insufficient to determine the role of this variant in disease. Therefore, it has been classified as a Variant of Uncertain Significance. Algorithms developed to predict the effect of missense changes on protein structure and function (SIFT, PolyPhen-2, Align-GVGD) all suggest that this variant is likely to be tolerated. This variant has not been reported in the literature in individuals affected with SLC24A5-related conditions. This variant is present in population databases (rs111834801, gnomAD 0.006%).